The following is an entry in ClinVar:

NM_198576.4(AGRN):c.2067G>A (p.Gln689=)

Gene: AGRN (agrin; plus strand). Cytogenetic location: 1p36.33.
Variant type: single nucleotide variant.
Coding change: c.2067G>A on transcript NM_198576.4 (MANE Select); coding-DNA position 2067, G replaced by A.
Protein change: p.Gln689=; no amino-acid change (glutamine 689 retained).
Molecular consequence: synonymous variant.
Genome position (GRCh38, 1-based): chr1:1,044,176, G>A. VCF-style: chr1-1044176-G-A. GRCh37 (hg19) VCF-style: chr1-979556-G-A.
Other names: p.Gln689=; c.2067G>A, p.Gln689= (NM_001305275.2); c.1752G>A, p.Gln584= (NM_001364727.2).
Identifiers: ClinVar variation 263167 (VCV000263167.49), dbSNP rs139886237, ClinGen allele CA508455.

ClinVar aggregate classification (germline): Benign/Likely benign. Review status: criteria provided, multiple submitters, no conflicts (2 of 4 stars). 7 submissions from 7 submitters: Benign (3); Likely benign (3). 1 of the submissions does not count toward it. Last evaluated 2026-09-01.

Conditions:
AGRN-related disorder. Also called: AGRN-related condition.
Congenital myasthenic syndrome 8. Also called: Myasthenic syndrome, congenital, 8, with pre- and postsynaptic defects; MYASTHENIC SYNDROME, CONGENITAL, DUE TO AGRIN DEFICIENCY. Identifiers: Orphanet 590, MedGen C3808739, MONDO:0014052, OMIM 615120.

Allele frequency attached by ClinVar (database versions not stated): 1000 Genomes Project 30x 0.00172; 1000 Genomes Project 0.00200; ESP Exome Variant Server 0.00231; ExAC 0.00261; gnomAD 0.00282 and 0.00288; gnomAD exomes 0.00290; TOPMed 0.00303.
gnomAD v4.1: 5,834 of 1,613,266 alleles (0.36%); highest among the groups gnomAD compares: Middle Eastern, 0.48%; 22 homozygotes.

Submissions (7):

CeGaT Center for Human Genetics Tuebingen
Classification: Likely benign. Last evaluated: 2026-09-01. Review status: criteria provided, single submitter. Criteria: CeGaT Center For Human Genetics Tuebingen Variant Classification Criteria Version 2. Collection method: clinical testing. Allele origin: germline. Affected: yes. Observed: 12 variant alleles.
Comment: AGRN: BP4, BP7, BS2

Labcorp Genetics (formerly Invitae), Labcorp
Classification: Benign for Congenital myasthenic syndrome 8. Last evaluated: 2026-02-01. Review status: criteria provided, single submitter. Criteria: Invitae Variant Classification Sherloc (09022015). Collection method: clinical testing. Allele origin: germline.

Blueprint Genetics
Classification: Likely benign. Last evaluated: 2024-11-21. Review status: criteria provided, single submitter. Criteria: ACMG Guidelines, 2015. Collection method: clinical testing. Allele origin: germline.

Mayo Clinic Laboratories, Mayo Clinic
Classification: Benign. Last evaluated: 2024-10-31. Review status: criteria provided, single submitter. Criteria: ACMG Guidelines, 2015. Collection method: clinical testing. Allele origin: germline. Observed: 6 variant alleles.
Comment: BS1, BS2, BP4, BP7

Athena Diagnostics
Classification: Benign. Last evaluated: 2019-06-20. Review status: criteria provided, single submitter. Criteria: Athena Diagnostics Criteria. Collection method: clinical testing. Allele origin: germline.

Breakthrough Genomics
Classification: Likely benign. Review status: criteria provided, single submitter. Criteria: ACMG Guidelines, 2015. Collection method: not provided. Allele origin: germline. Inheritance: Autosomal recessive inheritance. Affected: yes.

PreventionGenetics, part of Exact Sciences
Classification: Benign for AGRN-related condition. Last evaluated: 2019-08-08. Review status: no assertion criteria provided. Collection method: clinical testing. Allele origin: germline. Not counted in ClinVar's aggregate classification.
Comment: This variant is classified as benign based on ACMG/AMP sequence variant interpretation guidelines (Richards et al. 2015 PMID: 25741868, with internal and published modifications).